The following is an entry in ClinVar:

NM_001267550.2(TTN):c.59771G>A (p.Trp19924Ter)

Genes: TTN (titin; minus strand), TTN-AS1 (TTN antisense RNA 1; plus strand), LOC126806424 (CDK7 strongly-dependent group 2 enhancer GRCh37_chr2:179456337-179457536; plus strand). Cytogenetic location: 2q31.2.
Variant type: single nucleotide variant.
Coding change: c.59771G>A on transcript NM_001267550.2 (MANE Select); coding-DNA position 59771, G replaced by A.
Protein change: p.Trp19924Ter; replaces tryptophan 19924 with a stop codon.
Molecular consequence: nonsense.
Genome position (GRCh38, 1-based): chr2:178,592,133, C>T on the plus strand (G>A on the coding strand, the complement: TTN is on the minus strand). VCF-style: chr2-178592133-C-T. GRCh37 (hg19) VCF-style: chr2-179456860-C-T.
Other names: c.54848G>A, p.Trp18283Ter (NM_001256850.1); c.32576G>A, p.Trp10859Ter (NM_003319.4); c.52067G>A, p.Trp17356Ter (NM_133378.4); c.32951G>A, p.Trp10984Ter (NM_133432.3); c.33152G>A, p.Trp11051Ter (NM_133437.4); short protein forms W18283*, W10859*, W11051*, W17356*, W19924*, W10984*.
Identifiers: ClinVar variation 3463790 (VCV003463790.1).
Genomic context (GRCh38, chr2:178,592,133, plus strand): 5'-CCTTCATTCAGATGCTTAGCGAAGTGACTCTTTTTCTTTGATGTAGCTGAGAGAGGTGAC[C>T]ACTGGGCGCTGGCAACATCTCTCCTCTCAACCACATAATTGGTAATAACAGAACCACCAT-3'

ClinVar aggregate classification (germline): Likely pathogenic (1 of 4 stars; one submission).

Conditions:
Cardiovascular phenotype. Identifiers: MedGen CN230736.

gnomAD v4.1: 1 of 1,612,666 alleles (0.000062%); highest among the groups gnomAD compares: Non-Finnish European, 0.000085%; no homozygotes.

Submission:

Ambry Genetics
Classification: Likely pathogenic for Cardiovascular phenotype. Last evaluated: 2024-10-07. Review status: criteria provided, single submitter. Criteria: Ambry Variant Classification Scheme 2023. Collection method: clinical testing. Allele origin: germline.
Comment: The p.W10859* variant (also known as c.32576G>A), located in coding exon 129 of the TTN gene, results from a G to A substitution at nucleotide position 32576. This changes the amino acid from a tryptophan to a stop codon within coding exon 129. This exon is located in the A-band region of the N2-B isoform of the titin protein and is constitutively expressed in TTN transcripts (percent spliced in or PSI 100%). This variant is considered to be rare based on population cohorts in the Genome Aggregation Database (gnomAD). This alteration is expected to result in loss of function by premature protein truncation or nonsense-mediated mRNA decay. While truncating variants in TTN are present in 1-3% of the general population, truncating variants in the A-band are the most common cause of dilated cardiomyopathy (DCM) (Herman DS et al. N. Engl. J. Med., 2012 Feb;366:619-28; Roberts AM et al. Sci Transl Med, 2015 Jan;7:270ra6). TTN truncating variants encoded in constitutive exons (PSI >90%) have been found to be significantly associated with DCM regardless of their position in titin (Schafer S et al. Nat. Genet., 2017 01;49:46-53). Based on the majority of available evidence to date, this variant is likely to be pathogenic.